The following is an entry in ClinVar:

ClinVar aggregate classification (germline): Uncertain significance (1 of 4 stars; one submission).

Allele frequency attached by ClinVar (database versions not stated): gnomAD exomes below 0.00001; TOPMed 0.00001.
gnomAD v4.1: 4 of 1,595,764 alleles (0.00025%); highest among the groups gnomAD compares: African/African-American, 0.004%; no homozygotes.

Submission:

Labcorp Genetics (formerly Invitae), Labcorp
Classification: Uncertain significance. Last evaluated: 2022-07-05. Review status: criteria provided, single submitter. Criteria: Invitae Variant Classification Sherloc (09022015). Collection method: clinical testing. Allele origin: germline.
Comment: This variant has not been reported in the literature in individuals affected with RIMS1-related conditions. This variant is not present in population databases (gnomAD no frequency). This sequence change replaces serine, which is neutral and polar, with threonine, which is neutral and polar, at codon 1402 of the RIMS1 protein (p.Ser1402Thr). ClinVar contains an entry for this variant (Variation ID: 1044011). In summary, the available evidence is currently insufficient to determine the role of this variant in disease. Therefore, it has been classified as a Variant of Uncertain Significance. Algorithms developed to predict the effect of missense changes on protein structure and function (SIFT, PolyPhen-2, Align-GVGD) all suggest that this variant is likely to be disruptive.

NM_014989.7(RIMS1):c.4205G>C (p.Ser1402Thr)

Gene: RIMS1 (regulating synaptic membrane exocytosis 1; plus strand). Cytogenetic location: 6q13.
Variant type: single nucleotide variant.
Coding change: c.4205G>C on transcript NM_014989.7 (MANE Select); coding-DNA position 4205, G replaced by C.
Protein change: p.Ser1402Thr; replaces serine 1402 with threonine.
Molecular consequence: missense variant. On other transcripts: intron variant (24).
Genome position (GRCh38, 1-based): chr6:72,333,674, G>C. VCF-style: chr6-72333674-G-C. GRCh37 (hg19) VCF-style: chr6-73043377-G-C.
Other names: c.2165G>C, p.Ser722Thr (NM_001168407.2); c.2126G>C, p.Ser709Thr (NM_001350414.2); c.2222G>C, p.Ser741Thr (NM_001350415.2); c.2171G>C, p.Ser724Thr (NM_001350416.2); c.2144G>C, p.Ser715Thr (NM_001350418.2); c.2279G>C, p.Ser760Thr (NM_001350420.2); c.2024G>C, p.Ser675Thr (NM_001350421.2); c.1913G>C, p.Ser638Thr (NM_001350423.2); and 53 more; short protein forms S1402T, S642T, S669T, S698T, S702T, S703T, S705T, S725T.
Identifiers: ClinVar variation 1044011 (VCV001044011.10), dbSNP rs1347202021, ClinGen allele CA364692794.